The following is an entry in ClinVar:

NM_001267550.2(TTN):c.81948T>C (p.Leu27316=)

Genes: TTN (titin; minus strand), TTN-AS1 (TTN antisense RNA 1; plus strand). Cytogenetic location: 2q31.2.
Variant type: single nucleotide variant.
Coding change: c.81948T>C on transcript NM_001267550.2 (MANE Select); coding-DNA position 81948, T replaced by C.
Protein change: p.Leu27316=; no amino-acid change (leucine 27316 retained).
Molecular consequence: synonymous variant.
Genome position (GRCh38, 1-based): chr2:178,564,184, A>G on the plus strand (T>C on the coding strand, the complement: TTN is on the minus strand). VCF-style: chr2-178564184-A-G. GRCh37 (hg19) VCF-style: chr2-179428911-A-G.
Other names: c.77025T>C, p.Leu25675= (NM_001256850.1); c.54753T>C, p.Leu18251= (NM_003319.4); c.74244T>C, p.Leu24748= (NM_133378.4); c.55128T>C, p.Leu18376= (NM_133432.3); c.55329T>C, p.Leu18443= (NM_133437.4).
Identifiers: ClinVar variation 264059 (VCV000264059.17), dbSNP rs886039026, ClinGen allele CA10587470.
Genomic context (GRCh38, chr2:178,564,184, plus strand): 5'-GACAACAAGAGTTGTTTTCTGAATAGTAGATTTAATTTCCATTCTAGCAGCTGTTTCTTC[A>G]AGTTCTTTTCCATCTTTTGACCAAACAACATCAGGTATAGGTTTGCCACGGATGTCGGCT-3'
Protein context (NP_001254479.2, residues 27306-27326): DVVWSKDGKE[Leu27316=]EETAARMEIK

ClinVar aggregate classification (germline): Likely benign. Review status: criteria provided, multiple submitters, no conflicts (2 of 4 stars). 5 submissions from 5 submitters: Likely benign (5). Last evaluated 2026-05-01.

Conditions:
Cardiovascular phenotype. Identifiers: MedGen CN230736.
Autosomal recessive limb-girdle muscular dystrophy type 2J (LGMDR10). Also called: Limb-girdle muscular dystrophy, type 2J; MUSCULAR DYSTROPHY, LIMB-GIRDLE, AUTOSOMAL RECESSIVE 10. Identifiers: Orphanet 140922, MedGen C1837342, MONDO:0012127, OMIM 608807.
Dilated cardiomyopathy 1G (CMD1G). Identifiers: Orphanet 154, MedGen C1858763, MONDO:0011400, OMIM 604145.

Allele frequency attached by ClinVar (database versions not stated): gnomAD exomes below 0.00001 and 0.00001; TOPMed below 0.00001.
gnomAD v4.1: 7 of 1,613,726 alleles (0.00043%); highest among the groups gnomAD compares: East Asian, 0.0022%; no homozygotes.

Submissions (5):

CeGaT Center for Human Genetics Tuebingen
Classification: Likely benign. Last evaluated: 2026-05-01. Review status: criteria provided, single submitter. Criteria: CeGaT Center For Human Genetics Tuebingen Variant Classification Criteria Version 2. Collection method: clinical testing. Allele origin: germline. Affected: yes. Observed: 1 variant allele.
Comment: TTN: BP4, BP7

Labcorp Genetics (formerly Invitae), Labcorp
Classification: Likely benign for Dilated cardiomyopathy 1G; Autosomal recessive limb-girdle muscular dystrophy type 2J. Last evaluated: 2025-12-19. Review status: criteria provided, single submitter. Criteria: Invitae Variant Classification Sherloc (09022015). Collection method: clinical testing. Allele origin: germline.

Blueprint Genetics
Classification: Likely benign. Last evaluated: 2023-05-08. Review status: criteria provided, single submitter. Criteria: ACMG Guidelines, 2015. Collection method: clinical testing. Allele origin: germline.

Ambry Genetics
Classification: Likely benign for Cardiovascular phenotype. Last evaluated: 2022-11-17. Review status: criteria provided, single submitter. Criteria: Ambry Variant Classification Scheme 2023. Collection method: clinical testing. Allele origin: germline.

GeneDx
Classification: Likely benign. Last evaluated: 2019-07-16. Review status: criteria provided, single submitter. Criteria: GeneDx Variant Classification Process June 2021. Collection method: clinical testing. Allele origin: germline. Affected: yes.